The following is an entry in ClinVar:

ClinVar aggregate classification (germline): Conflicting classifications of pathogenicity. Review status: criteria provided, conflicting classifications (1 of 4 stars). 5 submissions from 5 submitters: Uncertain significance (2); Likely benign (2). 1 of the submissions does not count toward it. Last evaluated 2026-01-26.

Conditions:
VPS13B-related disorder. Also called: VPS13B-related condition.
Cohen syndrome (COH1). Also called: Cutis verticis gyrata, retinitis pigmentosa, and sensorineural deafness; PEPPER SYNDROME. Identifiers: Orphanet 193, MedGen C0265223, MONDO:0008999, OMIM 216550.

Allele frequency attached by ClinVar (database versions not stated): gnomAD exomes 0.00002 and 0.00003; ExAC 0.00004; gnomAD 0.00004; TOPMed 0.00008; ESP Exome Variant Server 0.00015.
gnomAD v4.1: 52 of 1,613,664 alleles (0.0032%); highest among the groups gnomAD compares: Non-Finnish European, 0.004%; no homozygotes.

Submissions (5):

Labcorp Genetics (formerly Invitae), Labcorp
Classification: Likely benign for Cohen syndrome. Last evaluated: 2026-01-26. Review status: criteria provided, single submitter. Criteria: Invitae Variant Classification Sherloc (09022015). Collection method: clinical testing. Allele origin: germline.

Blueprint Genetics
Classification: Likely benign. Last evaluated: 2024-04-19. Review status: criteria provided, single submitter. Criteria: ACMG Guidelines, 2015. Collection method: clinical testing. Allele origin: germline.

Athena Diagnostics
Classification: Uncertain significance. Last evaluated: 2016-12-29. Review status: criteria provided, single submitter. Criteria: Athena Diagnostics Criteria. Collection method: clinical testing. Allele origin: germline.

Eurofins Ntd Llc (ga)
Classification: Uncertain significance. Last evaluated: 2014-09-30. Review status: criteria provided, single submitter. Criteria: EGL Classification Definitions 2015. Collection method: clinical testing. Allele origin: germline. Observed: 1 variant allele, 1 heterozygote.

PreventionGenetics, part of Exact Sciences
Classification: Likely benign for VPS13B-related condition. Last evaluated: 2021-06-29. Review status: no assertion criteria provided. Collection method: clinical testing. Allele origin: germline. Not counted in ClinVar's aggregate classification.
Comment: This variant is classified as likely benign based on ACMG/AMP sequence variant interpretation guidelines (Richards et al. 2015 PMID: 25741868, with internal and published modifications).

NM_152564.5(VPS13B):c.4950-9A>G

Gene: VPS13B (vacuolar protein sorting 13 homolog B; plus strand). Cytogenetic location: 8q22.2.
Variant type: single nucleotide variant.
Coding change: c.4950-9A>G on transcript NM_152564.5 (MANE Select); 9 bases into the intron before coding-DNA position 4950, A replaced by G.
Molecular consequence: intron variant.
Genome position (GRCh38, 1-based): chr8:99,575,649, A>G. VCF-style: chr8-99575649-A-G. GRCh37 (hg19) VCF-style: chr8-100587877-A-G.
Other names: c.5025-9A>G (NM_017890.5); c.4950-9A>G (NM_152564.4).
Identifiers: ClinVar variation 196790 (VCV000196790.17), dbSNP rs373474658, ClinGen allele CA244164.